The following is an entry in ClinVar:

ClinVar aggregate classification (germline): Uncertain significance (1 of 4 stars; one submission).

Submission:

Ambry Genetics
Classification: Uncertain significance. Last evaluated: 2026-04-11. Review status: criteria provided, single submitter. Criteria: Ambry Variant Classification Scheme 2023. Collection method: clinical testing. Allele origin: germline.
Comment: The c.5817G>A (p.M1939I) alteration is located in exon 6 (coding exon 5) of the MXRA5 gene. This alteration results from a G to A substitution at nucleotide position 5817, causing the methionine (M) at amino acid position 1939 to be replaced by an isoleucine (I). Based on data from gnomAD, the A allele has an overall frequency of 0.002% (3/204947) total alleles studied. The highest observed frequency was 0.005% (1/18913) of African alleles. Based on insufficient or conflicting evidence, the clinical significance of this alteration remains unclear.

NM_015419.4(MXRA5):c.5817G>A (p.Met1939Ile)

Gene: MXRA5 (matrix remodeling associated 5; minus strand). Cytogenetic location: Xp22.33.
Variant type: single nucleotide variant.
Coding change: c.5817G>A on transcript NM_015419.4 (MANE Select); coding-DNA position 5817, G replaced by A.
Protein change: p.Met1939Ile; replaces methionine 1939 with isoleucine.
Molecular consequence: missense variant.
Genome position (GRCh38, 1-based): chrX:3,317,864, C>T on the plus strand (G>A on the coding strand, the complement: MXRA5 is on the minus strand). VCF-style: chrX-3317864-C-T. GRCh37 (hg19) VCF-style: chrX-3235905-C-T.
Other names: short protein forms M1939I.
Identifiers: ClinVar variation 4860495 (VCV004860495.1).